The following is an entry in ClinVar:

ClinVar aggregate classification (germline): Uncertain significance. Review status: criteria provided, multiple submitters, no conflicts (2 of 4 stars). 2 submissions from 2 submitters: Uncertain significance (2). Last evaluated 2022-04-12.

Conditions:
Inborn genetic diseases. Identifiers: MedGen C0950123, MeSH D030342.
MEGF10-related myopathy (CMYO10A). Also called: Congenital myopathy 10A, severe variant. Identifiers: Orphanet 439212, MedGen C3280679, MONDO:0013731, OMIM 614399.

Allele frequency attached by ClinVar (database versions not stated): TOPMed below 0.00001; ExAC 0.00001; gnomAD exomes 0.00001.
gnomAD v4.1: 4 of 1,614,134 alleles (0.00025%); highest among the groups gnomAD compares: Admixed American, 0.005%; no homozygotes.

Submissions (2):

Ambry Genetics
Classification: Uncertain significance for Inborn genetic diseases. Last evaluated: 2022-04-12. Review status: criteria provided, single submitter. Criteria: Ambry Variant Classification Scheme 2023. Collection method: clinical testing. Allele origin: germline.

Labcorp Genetics (formerly Invitae), Labcorp
Classification: Uncertain significance for MEGF10-related myopathy. Last evaluated: 2021-06-17. Review status: criteria provided, single submitter. Criteria: Invitae Variant Classification Sherloc (09022015). Collection method: clinical testing. Allele origin: germline.
Comment: This sequence change replaces aspartic acid with glycine at codon 1118 of the MEGF10 protein (p.Asp1118Gly). The aspartic acid residue is highly conserved and there is a moderate physicochemical difference between aspartic acid and glycine. In summary, the available evidence is currently insufficient to determine the role of this variant in disease. Therefore, it has been classified as a Variant of Uncertain Significance. Algorithms developed to predict the effect of missense changes on protein structure and function are either unavailable or do not agree on the potential impact of this missense change (SIFT: "Deleterious"; PolyPhen-2: "Benign"; Align-GVGD: "Class C0"). This variant has not been reported in the literature in individuals with MEGF10-related conditions. This variant is present in population databases (rs776755147, ExAC 0.009%).

NM_001256545.2(MEGF10):c.3353A>G (p.Asp1118Gly)

Gene: MEGF10 (multiple EGF like domains 10; plus strand). Cytogenetic location: 5q23.2.
Variant type: single nucleotide variant.
Coding change: c.3353A>G on transcript NM_001256545.2 (MANE Select); coding-DNA position 3353, A replaced by G.
Protein change: p.Asp1118Gly; replaces aspartic acid 1118 with glycine.
Molecular consequence: missense variant.
Genome position (GRCh38, 1-based): chr5:127,457,248, A>G. VCF-style: chr5-127457248-A-G. GRCh37 (hg19) VCF-style: chr5-126792940-A-G.
Other names: c.3353A>G, p.Asp1118Gly (NM_032446.3); c.3353A>G (NM_032446.2); short protein forms D1118G.
Identifiers: ClinVar variation 1510550 (VCV001510550.9), dbSNP rs776755147, ClinGen allele CA3392201.